The following is an entry in ClinVar:

ClinVar aggregate classification (germline): Uncertain significance (1 of 4 stars; one submission).

Submission:

GeneDx
Classification: Uncertain significance. Last evaluated: 2026-03-06. Review status: criteria provided, single submitter. Criteria: GeneDx Variant Classification Process June 2021. Collection method: clinical testing. Allele origin: germline.
Comment: Not observed at significant frequency in large population cohorts (gnomAD); In silico analysis suggests that this missense variant does not alter protein structure/function; Has not been previously published as pathogenic or benign to our knowledge

NM_001005271.3(CHD3):c.59A>C (p.Glu20Ala)

Genes: CHD3 (chromodomain helicase DNA binding protein 3; plus strand), NAA38 (N-alpha-acetyltransferase 38, NatC auxiliary subunit; minus strand). Cytogenetic location: 17p13.1.
Variant type: single nucleotide variant.
Coding change: c.59A>C on transcript NM_001005271.3; coding-DNA position 59, A replaced by C.
Protein change: p.Glu20Ala; replaces glutamic acid 20 with alanine.
Molecular consequence: missense variant. On other transcripts: intron variant (1).
Genome position (GRCh38, 1-based): chr17:7,884,865, A>C. VCF-style: chr17-7884865-A-C. GRCh37 (hg19) VCF-style: chr17-7788183-A-C.
Other names: c.59A>C, p.Glu20Ala (NM_001437504.1, NM_001437507.1, NM_001437508.1 and 1 more transcripts); c.-167+300T>G (NM_001330111.2); short protein forms E20A.
Identifiers: ClinVar variation 5008742 (VCV005008742.1).